The following is an entry in ClinVar:

ClinVar aggregate classification (germline): Uncertain significance. Review status: criteria provided, multiple submitters, no conflicts (2 of 4 stars). 2 submissions from 2 submitters: Uncertain significance (2). Last evaluated 2023-11-27.

Conditions:
Inborn genetic diseases. Identifiers: MedGen C0950123, MeSH D030342.
Nephronophthisis 15 (NPHP15). Identifiers: Orphanet 3156, MedGen C3541853, MONDO:0013917, OMIM 614845.

Allele frequency attached by ClinVar (database versions not stated): gnomAD exomes below 0.00001.
gnomAD v4.1: 3 of 1,605,434 alleles (0.00019%); highest among the groups gnomAD compares: Middle Eastern, 0.017%; no homozygotes.

Submissions (2):

Labcorp Genetics (formerly Invitae), Labcorp
Classification: Uncertain significance for Nephronophthisis 15. Last evaluated: 2023-11-27. Review status: criteria provided, single submitter. Criteria: Invitae Variant Classification Sherloc (09022015). Collection method: clinical testing. Allele origin: germline.
Comment: This sequence change replaces glutamic acid, which is acidic and polar, with glutamine, which is neutral and polar, at codon 493 of the CEP164 protein (p.Glu493Gln). This variant is not present in population databases (gnomAD no frequency). This variant has not been reported in the literature in individuals affected with CEP164-related conditions. ClinVar contains an entry for this variant (Variation ID: 1504322). An algorithm developed to predict the effect of missense changes on protein structure and function (PolyPhen-2) suggests that this variant¬†is likely to be tolerated. In summary, the available evidence is currently insufficient to determine the role of this variant in disease. Therefore, it has been classified as a Variant of Uncertain Significance.

Ambry Genetics
Classification: Uncertain significance for Inborn genetic diseases. Last evaluated: 2023-06-05. Review status: criteria provided, single submitter. Criteria: Ambry Variant Classification Scheme 2023. Collection method: clinical testing. Allele origin: germline.

NM_014956.5(CEP164):c.1477G>C (p.Glu493Gln)

Gene: CEP164 (centrosomal protein 164; plus strand). Cytogenetic location: 11q23.3.
Variant type: single nucleotide variant.
Coding change: c.1477G>C on transcript NM_014956.5 (MANE Select); coding-DNA position 1477, G replaced by C.
Protein change: p.Glu493Gln; replaces glutamic acid 493 with glutamine.
Molecular consequence: missense variant.
Genome position (GRCh38, 1-based): chr11:117,381,768, G>C. VCF-style: chr11-117381768-G-C. GRCh37 (hg19) VCF-style: chr11-117252484-G-C.
Other names: c.1486G>C, p.Glu496Gln (NM_001271933.2); c.1477G>C (NM_014956.4); short protein forms E493Q, E496Q.
Identifiers: ClinVar variation 1504322 (VCV001504322.8), dbSNP rs2136140136, ClinGen allele CA382742564.